The following is an entry in ClinVar:

NM_024407.5(NDUFS7):c.146C>G (p.Ala49Gly)

Gene: NDUFS7 (NADH:ubiquinone oxidoreductase core subunit S7; plus strand). Cytogenetic location: 19p13.3.
Variant type: single nucleotide variant.
Coding change: c.146C>G on transcript NM_024407.5 (MANE Select); coding-DNA position 146, C replaced by G.
Protein change: p.Ala49Gly; replaces alanine 49 with glycine.
Molecular consequence: missense variant.
Genome position (GRCh38, 1-based): chr19:1,388,856, C>G. VCF-style: chr19-1388856-C-G. GRCh37 (hg19) VCF-style: chr19-1388855-C-G.
Other names: c.146C>G, p.Ala49Gly (NM_001363602.2); short protein forms A49G.
Identifiers: ClinVar variation 378256 (VCV000378256.10), dbSNP rs11551666, ClinGen allele CA9043129.
Genomic context (GRCh38, chr19:1,388,856, plus strand): 5'-GGCTGACGCCTCCTGTGCCCGTGTGTCTCTGTGCCAGCACCCAGCCTGCCCTGCCAAAGG[C>G]CAGAGCCGTGGCTCCCAAACCCAGCAGCCGGGGCGAGTATGTGGTGGCCAAGCTGGATGA-3'
Protein context (NP_077718.3, residues 39-59): PSSTQPALPK[Ala49Gly]RAVAPKPSSR

ClinVar aggregate classification (germline): Benign/Likely benign. Review status: criteria provided, multiple submitters, no conflicts (2 of 4 stars). 2 submissions from 2 submitters: Benign (1); Likely benign (1). Last evaluated 2026-01-19.

Allele frequency attached by ClinVar (database versions not stated): gnomAD exomes 0.00007 and 0.00016; ESP Exome Variant Server 0.00046; ExAC 0.00049; gnomAD 0.00081 and 0.00084; TOPMed 0.00103; 1000 Genomes Project 0.00160; 1000 Genomes Project 30x 0.00172.
gnomAD v4.1: 236 of 1,605,112 alleles (0.015%); highest among the groups gnomAD compares: African/African-American, 0.28%; no homozygotes.

Submissions (2):

Labcorp Genetics (formerly Invitae), Labcorp
Classification: Likely benign. Last evaluated: 2026-01-19. Review status: criteria provided, single submitter. Criteria: Invitae Variant Classification Sherloc (09022015). Collection method: clinical testing. Allele origin: germline.

GeneDx
Classification: Benign. Last evaluated: 2015-03-26. Review status: criteria provided, single submitter. Criteria: GeneDx Variant Classification (06012015). Collection method: clinical testing. Allele origin: germline. Affected: yes.
Comment: This variant is considered likely benign or benign based on one or more of the following criteria: it is a conservative change, it occurs at a poorly conserved position in the protein, it is predicted to be benign by multiple in silico algorithms, and/or has population frequency not consistent with disease.